The following is an entry in ClinVar:

NM_003638.3(ITGA8):c.272G>A (p.Gly91Glu)

Gene: ITGA8 (integrin subunit alpha 8; minus strand). Cytogenetic location: 10p13.
Variant type: single nucleotide variant.
Coding change: c.272G>A on transcript NM_003638.3 (MANE Select); coding-DNA position 272, G replaced by A.
Protein change: p.Gly91Glu; replaces glycine 91 with glutamic acid.
Molecular consequence: missense variant.
Genome position (GRCh38, 1-based): chr10:15,718,837, C>T on the plus strand (G>A on the coding strand, the complement: ITGA8 is on the minus strand). VCF-style: chr10-15718837-C-T. GRCh37 (hg19) VCF-style: chr10-15760836-C-T.
Other names: c.272G>A, p.Gly91Glu (NM_001291494.2); short protein forms G91E.
Identifiers: ClinVar variation 4989206 (VCV004989206.1).

ClinVar aggregate classification (germline): Uncertain significance (1 of 4 stars; one submission).

Conditions:
ITGA8-related disorder. Also called: ITGA8-related condition.

Submission:

PreventionGenetics, part of Exact Sciences
Classification: Uncertain significance for ITGA8-related condition. Last evaluated: 2025-03-30. Review status: criteria provided, single submitter. Criteria: ACMG Guidelines, 2015. Collection method: clinical testing. Allele origin: germline.
Comment: The ITGA8 c.272G>A variant is predicted to result in the amino acid substitution p.Gly91Glu. To our knowledge, this variant has not been reported in the literature or in a large population database (gnomAD), indicating this variant is rare. At this time, the clinical significance of this variant is uncertain due to the absence of conclusive functional and genetic evidence.